The following is an entry in ClinVar:

ClinVar aggregate classification (germline): Uncertain significance (1 of 4 stars; one submission).

Submission:

Labcorp Genetics (formerly Invitae), Labcorp
Classification: Uncertain significance. Last evaluated: 2022-05-21. Review status: criteria provided, single submitter. Criteria: Invitae Variant Classification Sherloc (09022015). Collection method: clinical testing. Allele origin: germline.
Comment: This sequence change replaces aspartic acid, which is acidic and polar, with glutamic acid, which is acidic and polar, at codon 30 of the UCHL1 protein (p.Asp30Glu). In summary, the available evidence is currently insufficient to determine the role of this variant in disease. Therefore, it has been classified as a Variant of Uncertain Significance. Algorithms developed to predict the effect of missense changes on protein structure and function are either unavailable or do not agree on the potential impact of this missense change (SIFT: "Deleterious"; PolyPhen-2: "Benign"; Align-GVGD: "Class C35"). This variant has not been reported in the literature in individuals affected with UCHL1-related conditions. This variant is not present in population databases (gnomAD no frequency).

NM_004181.5(UCHL1):c.90C>A (p.Asp30Glu)

Gene: UCHL1 (ubiquitin C-terminal hydrolase L1; plus strand). Cytogenetic location: 4p13.
Variant type: single nucleotide variant.
Coding change: c.90C>A on transcript NM_004181.5 (MANE Select); coding-DNA position 90, C replaced by A.
Protein change: p.Asp30Glu; replaces aspartic acid 30 with glutamic acid.
Molecular consequence: missense variant.
Genome position (GRCh38, 1-based): chr4:41,257,653, C>A. VCF-style: chr4-41257653-C-A. GRCh37 (hg19) VCF-style: chr4-41259670-C-A.
Other names: short protein forms D30E.
Identifiers: ClinVar variation 2038550 (VCV002038550.4), dbSNP rs2551922151, ClinGen allele CA356731661.